The following is an entry in ClinVar:

NM_024529.5(CDC73):c.1377G>A (p.Trp459Ter)

Gene: CDC73 (cell division cycle 73; plus strand). Cytogenetic location: 1q31.2.
Variant type: single nucleotide variant.
Coding change: c.1377G>A on transcript NM_024529.5 (MANE Select); coding-DNA position 1377, G replaced by A.
Protein change: p.Trp459Ter; replaces tryptophan 459 with a stop codon.
Molecular consequence: nonsense.
Genome position (GRCh38, 1-based): chr1:193,236,316, G>A. VCF-style: chr1-193236316-G-A. GRCh37 (hg19) VCF-style: chr1-193205446-G-A.
Other names: short protein forms W459*.
Identifiers: ClinVar variation 2113183 (VCV002113183.4), dbSNP rs2102061867, ClinGen allele CA344078227.

ClinVar aggregate classification (germline): Pathogenic (1 of 4 stars; one submission).

Conditions:
Parathyroid carcinoma (PRTC). Also called: Parathyroid gland carcinoma; CDC73-Related Parathyroid Carcinoma. Identifiers: Orphanet 143, MedGen C0687150, MONDO:0012004, OMIM 608266, HP:0006780.

Submission:

Labcorp Genetics (formerly Invitae), Labcorp
Classification: Pathogenic for Parathyroid carcinoma. Last evaluated: 2022-03-17. Review status: criteria provided, single submitter. Criteria: Invitae Variant Classification Sherloc (09022015). Collection method: clinical testing. Allele origin: germline.
Comment: This sequence change creates a premature translational stop signal (p.Trp459*) in the CDC73 gene. It is expected to result in an absent or disrupted protein product. Loss-of-function variants in CDC73 are known to be pathogenic (PMID: 12434154). This variant is not present in population databases (gnomAD no frequency). This variant has not been reported in the literature in individuals affected with CDC73-related conditions. For these reasons, this variant has been classified as Pathogenic.

Literature cited by the submitters: PubMed 12434154.